The following is an entry in ClinVar:

ClinVar aggregate classification (germline): Pathogenic (1 of 4 stars; one submission).

Conditions:
Spastic paraplegia. Identifiers: MedGen C0037772, HP:0001258.

Submissions (2):

Labcorp Genetics (formerly Invitae), Labcorp
Classification: Pathogenic for Spastic paraplegia. Last evaluated: 2022-08-31. Review status: criteria provided, single submitter. Criteria: Invitae Variant Classification Sherloc (09022015). Collection method: clinical testing. Allele origin: germline.
Comment: For these reasons, this variant has been classified as Pathogenic. Experimental studies have shown that this missense change affects L1CAM function (PMID: 12442287). Advanced modeling of protein sequence and biophysical properties (such as structural, functional, and spatial information, amino acid conservation, physicochemical variation, residue mobility, and thermodynamic stability) performed at Invitae indicates that this missense variant is expected to disrupt L1CAM protein function. This missense change has been observed in individuals with clinical features of L1 syndrome (PMID: 8826452, 10632110, 10797421; Invitae). This variant is not present in population databases (gnomAD no frequency). This sequence change replaces arginine, which is basic and polar, with tryptophan, which is neutral and slightly polar, at codon 184 of the L1CAM protein (p.Arg184Trp).

Dr. Peter K. Rogan Lab, Western University
No classification provided (evidence only). Condition: Nonpapillary renal cell carcinoma. Review status: no classification provided. Collection method: in vitro. Allele origin: not applicable. Functional consequence: retained intron. Not counted in ClinVar's aggregate classification.

Literature cited by the submitters: PubMed 12442287 (cited by Labcorp Genetics (formerly Invitae), Labcorp); PubMed 8826452 (cited by Labcorp Genetics (formerly Invitae), Labcorp); PubMed 10632110 (cited by Labcorp Genetics (formerly Invitae), Labcorp); PubMed 10797421 (cited by Labcorp Genetics (formerly Invitae), Labcorp).

NM_001278116.2(L1CAM):c.550C>T (p.Arg184Trp)

Gene: L1CAM (L1 cell adhesion molecule; minus strand). Cytogenetic location: Xq28.
Variant type: single nucleotide variant.
Coding change: c.550C>T on transcript NM_001278116.2 (MANE Select); coding-DNA position 550, C replaced by T.
Protein change: p.Arg184Trp; replaces arginine 184 with tryptophan.
Molecular consequence: missense variant.
Genome position (GRCh38, 1-based): chrX:153,870,934, G>A on the plus strand (C>T on the coding strand, the complement: L1CAM is on the minus strand). VCF-style: chrX-153870934-G-A. GRCh37 (hg19) VCF-style: chrX-153136389-G-A.
Other names: c.550C>T, p.Arg184Trp (NM_000425.5, NM_024003.3); c.535C>T, p.Arg179Trp (NM_001143963.2); short protein forms R179W, R184W.
Identifiers: ClinVar variation 2138778 (VCV002138778.5), dbSNP rs2521024663, ClinGen allele CA415135875.